The following is an entry in ClinVar:

NM_002755.4(MAP2K1):c.1069-16G>A

Genes: MAP2K1 (mitogen-activated protein kinase kinase 1; plus strand), SNAPC5 (small nuclear RNA activating complex polypeptide 5; minus strand). Cytogenetic location: 15q22.31.
Variant type: single nucleotide variant.
Coding change: c.1069-16G>A on transcript NM_002755.4 (MANE Select); 16 bases into the intron before coding-DNA position 1069, G replaced by A.
Molecular consequence: intron variant. On other transcripts: 3 prime UTR variant (1), non-coding transcript variant (1).
Genome position (GRCh38, 1-based): chr15:66,490,486, G>A. VCF-style: chr15-66490486-G-A. GRCh37 (hg19) VCF-style: chr15-66782824-G-A.
Other names: c.*253C>T (NM_006049.4); c.925-16G>A (NM_001411065.1).
Identifiers: ClinVar variation 918091 (VCV000918091.12), dbSNP rs146942812, ClinGen allele CA7624158.

ClinVar aggregate classification (germline): Benign/Likely benign. Review status: criteria provided, multiple submitters, no conflicts (2 of 4 stars). 5 submissions from 5 submitters: Benign (4); Likely benign (1). Last evaluated 2026-01-28.

Conditions:
RASopathy. Also called: Noonan spectrum disorder; rasopathies. Identifiers: Orphanet 536391, MedGen C5555857, MONDO:0021060.

Allele frequency attached by ClinVar (database versions not stated): ExAC 0.00023; gnomAD 0.00073 and 0.00072; 1000 Genomes Project 0.00100; 1000 Genomes Project 30x 0.00109; TOPMed 0.00083; ESP Exome Variant Server 0.00092; gnomAD exomes 0.00007 and 0.00019.
gnomAD v4.1: 224 of 1,574,026 alleles (0.014%); highest among the groups gnomAD compares: African/African-American, 0.23%; no homozygotes.

Submissions (5):

Labcorp Genetics (formerly Invitae), Labcorp
Classification: Benign for RASopathy. Last evaluated: 2026-01-28. Review status: criteria provided, single submitter. Criteria: Invitae Variant Classification Sherloc (09022015). Collection method: clinical testing. Allele origin: germline.

Blueprint Genetics
Classification: Likely benign. Last evaluated: 2024-09-12. Review status: criteria provided, single submitter. Criteria: ACMG Guidelines, 2015. Collection method: clinical testing. Allele origin: germline.

Women's Health and Genetics/Laboratory Corporation of America, LabCorp
Classification: Benign. Last evaluated: 2020-03-23. Review status: criteria provided, single submitter. Criteria: LabCorp Variant Classification Summary - May 2015. Collection method: clinical testing. Allele origin: germline.
Comment: Variant summary: MAP2K1 c.1069-16G>A alters a nucleotide located close to a canonical splice site and therefore could affect mRNA splicing, leading to a significantly altered protein sequence. 4/4 computational tools predict no significant impact on normal splicing. However, these predictions have yet to be confirmed by functional studies. The variant allele was found at a frequency of 0.00019 in 251408 control chromosomes, predominantly at a frequency of 0.0024 within the African or African-American subpopulation in the gnomAD database. The observed variant frequency within African or African-American control individuals in the gnomAD database is significantly above the estimated maximal expected allele frequency for a pathogenic variant in MAP2K1 causing Noonan Syndrome and Related Conditions phenotype (2.5e-06), strongly suggesting that the variant is a benign polymorphism found primarily in populations of African or African-American origin. To our knowledge, no occurrence of c.1069-16G>A in individuals affected with Noonan Syndrome and Related Conditions and no experimental evidence demonstrating its impact on protein function have been reported. No clinical diagnostic laboratories have submitted clinical-significance assessments for this variant to ClinVar after 2014. Based on the evidence outlined above, the variant was classified as benign.

GeneDx
Classification: Benign. Last evaluated: 2015-03-03. Review status: criteria provided, single submitter. Criteria: GeneDx Variant Classification Process June 2021. Collection method: clinical testing. Allele origin: germline. Affected: yes.

Breakthrough Genomics
Classification: Benign. Review status: criteria provided, single submitter. Criteria: ACMG Guidelines, 2015. Collection method: not provided. Allele origin: germline. Inheritance: Unknown mechanism. Affected: yes.